The following is an entry in ClinVar:

NM_139076.3(ABRAXAS1):c.445C>G (p.Leu149Val)

Gene: ABRAXAS1 (abraxas 1, BRCA1 A complex subunit; minus strand). Cytogenetic location: 4q21.23.
Variant type: single nucleotide variant.
Coding change: c.445C>G on transcript NM_139076.3 (MANE Select); coding-DNA position 445, C replaced by G.
Protein change: p.Leu149Val; replaces leucine 149 with valine.
Molecular consequence: missense variant.
Genome position (GRCh38, 1-based): chr4:83,470,234, G>C on the plus strand (C>G on the coding strand, the complement: ABRAXAS1 is on the minus strand). VCF-style: chr4-83470234-G-C. GRCh37 (hg19) VCF-style: chr4-84391387-G-C.
Other names: c.118C>G, p.Leu40Val (NM_001345962.2); short protein forms L149V, L40V.
Identifiers: ClinVar variation 3229149 (VCV003229149.1), dbSNP rs1204445539, ClinGen allele CA357259731.

ClinVar aggregate classification (germline): Uncertain significance (1 of 4 stars; one submission).

Allele frequency attached by ClinVar (database versions not stated): gnomAD exomes below 0.00001; TOPMed below 0.00001.
gnomAD v4.1: 1 of 1,613,486 alleles (0.000062%); highest among the groups gnomAD compares: Non-Finnish European, 0.000085%; no homozygotes.

Submission:

Ambry Genetics
Classification: Uncertain significance. Last evaluated: 2023-12-31. Review status: criteria provided, single submitter. Criteria: Ambry Variant Classification Scheme 2023. Collection method: clinical testing. Allele origin: germline.
Comment: The p.L149V variant (also known as c.445C>G), located in coding exon 5 of the FAM175A gene, results from a C to G substitution at nucleotide position 445. The leucine at codon 149 is replaced by valine, an amino acid with highly similar properties. This amino acid position is conserved. In addition, this alteration is predicted to be tolerated by in silico analysis. Since supporting evidence is limited at this time, the clinical significance of this alteration remains unclear.